The following is an entry in ClinVar:

ClinVar aggregate classification (germline): Uncertain significance. Review status: criteria provided, multiple submitters, no conflicts (2 of 4 stars). 2 submissions from 2 submitters: Uncertain significance (2). Last evaluated 2025-03-24.

Conditions:
Rhabdoid tumor predisposition syndrome 2 (RTPS2). Identifiers: Orphanet 231108, Orphanet 69077, MedGen C2750074, MONDO:0013224, OMIM 613325.
Hereditary cancer-predisposing syndrome. Also called: Hereditary Cancer Syndrome; Hereditary neoplastic syndrome; Tumor predisposition; Neoplastic Syndromes, Hereditary. Identifiers: Orphanet 140162, MedGen C0027672, MeSH D009386, MONDO:0015356.

Allele frequency attached by ClinVar (database versions not stated): gnomAD exomes below 0.00001.

Submissions (2):

Ambry Genetics
Classification: Uncertain significance for Hereditary cancer-predisposing syndrome. Last evaluated: 2025-03-24. Review status: criteria provided, single submitter. Criteria: Ambry Variant Classification Scheme 2023. Collection method: clinical testing. Allele origin: germline.
Comment: The p.P304H variant (also known as c.911C>A), located in coding exon 5 of the SMARCA4 gene, results from a C to A substitution at nucleotide position 911. The proline at codon 304 is replaced by histidine, an amino acid with similar properties. This amino acid position is well conserved in available vertebrate species. In addition, this alteration is predicted to be tolerated by in silico analysis. Missense and in-frame variants in SMARCA4 are known to cause neurodevelopmental disorders; however, such associations with rhabdoid tumor predisposition syndrome including small cell carcinoma of the ovary-hypercalcemic type (SCCOHT) are exceedingly rare (Kosho T et al. Am J Med Genet C Semin Med Genet. 2014 Sep;166C(3):262-75; Jelinic P et al. Nat Genet. 2014 May;46(5):424-6). Based on the supporting evidence, the association of this alteration with Coffin-Siris syndrome is unknown; however, the association of this alteration with rhabdoid tumor predisposition syndrome is unlikely.

Labcorp Genetics (formerly Invitae), Labcorp
Classification: Uncertain significance for Rhabdoid tumor predisposition syndrome 2. Last evaluated: 2022-03-03. Review status: criteria provided, single submitter. Criteria: Invitae Variant Classification Sherloc (09022015). Collection method: clinical testing. Allele origin: germline.
Comment: In summary, the available evidence is currently insufficient to determine the role of this variant in disease. Therefore, it has been classified as a Variant of Uncertain Significance. Algorithms developed to predict the effect of missense changes on protein structure and function (SIFT, PolyPhen-2, Align-GVGD) all suggest that this variant is likely to be disruptive. ClinVar contains an entry for this variant (Variation ID: 841001). This variant has not been reported in the literature in individuals affected with SMARCA4-related conditions. This variant is not present in population databases (gnomAD no frequency). This sequence change replaces proline, which is neutral and non-polar, with histidine, which is basic and polar, at codon 304 of the SMARCA4 protein (p.Pro304His).

NM_003072.5(SMARCA4):c.911C>A (p.Pro304His)

Gene: SMARCA4 (SWI/SNF related BAF chromatin remodeling complex subunit ATPase 4; plus strand). Cytogenetic location: 19p13.2.
Variant type: single nucleotide variant.
Coding change: c.911C>A on transcript NM_003072.5 (MANE Select); coding-DNA position 911, C replaced by A.
Protein change: p.Pro304His; replaces proline 304 with histidine.
Molecular consequence: missense variant. On other transcripts: non-coding transcript variant (1).
Genome position (GRCh38, 1-based): chr19:10,987,717, C>A. VCF-style: chr19-10987717-C-A. GRCh37 (hg19) VCF-style: chr19-11098393-C-A.
Other names: c.911C>A, p.Pro304His (NM_001128844.3, NM_001128845.2, NM_001128846.2 and 4 more transcripts); short protein forms P304H.
Identifiers: ClinVar variation 841001 (VCV000841001.13), dbSNP rs2086181376, ClinGen allele CA404058445.